The following is an entry in ClinVar:

NM_001277115.2(DNAH11):c.13418_13421dup (p.Tyr4476fs)

Genes: CDCA7L (cell division cycle associated 7 like; minus strand), DNAH11 (dynein axonemal heavy chain 11; plus strand). Cytogenetic location: 7p15.3.
Variant type: Duplication.
Coding change: c.13418_13421dup on transcript NM_001277115.2 (MANE Select); coding-DNA positions 13418 to 13421, 4 bases duplicated (AACA; older notation c.13418_13421dupAACA).
Protein change: p.Tyr4476fs; shifts the reading frame from tyrosine 4476.
Molecular consequence: frameshift variant. On other transcripts: 3 prime UTR variant (3).
Genome position (GRCh38, 1-based): chr7:21,901,121-21,901,124, AACA duplicated; duplicating any 4 consecutive bases within chr7:21,901,119-21,901,124 gives the same sequence; the c. name uses the placement nearest the transcript's 3' end. VCF-style (leftmost placement, unchanged base first): chr7-21901118-C-CCAAA. GRCh37 (hg19) VCF-style: chr7-21940736-C-CCAAA.
Other names: c.*1200_*1203dup (NM_001127370.3, NM_001127371.3, NM_018719.5); short protein forms Y4476fs.
Identifiers: ClinVar variation 1012795 (VCV001012795.41), dbSNP rs1784799612, ClinGen allele CA1693738294.
Genomic context (GRCh38, chr7:21,901,118, plus strand): 5'-AGCTGGCATGCCCTATGCCGGTCATCTTTGCAAAAGCCACCCCCGTGGACAGACAAGAAA[C>CCAAA]CAAACAGACCTACGAGTGCCCTGTGTATAGAACCAAACTGAGAGGCCCCAGCTACATCTG-3'

ClinVar aggregate classification (germline): Pathogenic/Likely pathogenic. Review status: criteria provided, multiple submitters, no conflicts (2 of 4 stars). 2 submissions from 2 submitters: Pathogenic (1); Likely pathogenic (1). Last evaluated 2025-10-14.

Conditions:
Primary ciliary dyskinesia. Also called: Ciliary dyskinesia. Identifiers: Orphanet 244, MedGen C0008780, MONDO:0016575, HP:0012265.

Submissions (2):

Labcorp Genetics (formerly Invitae), Labcorp
Classification: Pathogenic for Primary ciliary dyskinesia. Last evaluated: 2025-10-14. Review status: criteria provided, single submitter. Criteria: Invitae Variant Classification Sherloc (09022015). Collection method: clinical testing. Allele origin: germline.
Comment: This sequence change creates a premature translational stop signal (p.Tyr4476Aspfs*8) in the DNAH11 gene. While this is not anticipated to result in nonsense mediated decay, it is expected to disrupt the last 41 amino acid(s) of the DNAH11 protein. This variant is not present in population databases (gnomAD no frequency). This premature translational stop signal has been observed in individual(s) with primary ciliary dyskinesia (internal data). ClinVar contains an entry for this variant (Variation ID: 1012795). This variant disrupts a region of the DNAH11 protein in which other variant(s) (p.Trp4505Serfs*10) have been determined to be pathogenic (internal data). This suggests that this is a clinically significant region of the protein, and that variants that disrupt it are likely to be disease-causing. For these reasons, this variant has been classified as Pathogenic.

CeGaT Center for Human Genetics Tuebingen
Classification: Likely pathogenic. Last evaluated: 2020-11-01. Review status: criteria provided, single submitter. Criteria: CeGaT Center For Human Genetics Tuebingen Variant Classification Criteria Version 2. Collection method: clinical testing. Allele origin: germline. Affected: yes. Observed: 2 variant alleles.